The following is an entry in ClinVar:

ClinVar aggregate classification (germline): Likely benign. Review status: criteria provided, multiple submitters, no conflicts (2 of 4 stars). 4 submissions from 4 submitters: Likely benign (3). 1 of the submissions does not count toward it. Last evaluated 2026-07-01.

Conditions:
CD79B-related disorder. Also called: CD79B-related condition.
Agammaglobulinemia 6, autosomal recessive (AGM6). Also called: AGAMMAGLOBULINEMIA 6; AGAMMAGLOBULINEMIA, AUTOSOMAL RECESSIVE, DUE TO CD79B DEFECT. Identifiers: MedGen C3150207, MONDO:0012987, OMIM 612692.

Allele frequency attached by ClinVar (database versions not stated): TOPMed 0.00004; ExAC 0.00012; gnomAD exomes 0.00015.
gnomAD v4.1: 113 of 1,613,064 alleles (0.007%); highest among the groups gnomAD compares: South Asian, 0.056%; 1 homozygote.

Submissions (4):

CeGaT Center for Human Genetics Tuebingen
Classification: Likely benign. Last evaluated: 2026-07-01. Review status: criteria provided, single submitter. Criteria: CeGaT Center For Human Genetics Tuebingen Variant Classification Criteria Version 2. Collection method: clinical testing. Allele origin: germline. Affected: yes. Observed: 1 variant allele.
Comment: CD79B: BP4, BP7

Labcorp Genetics (formerly Invitae), Labcorp
Classification: Likely benign for Agammaglobulinemia 6, autosomal recessive. Last evaluated: 2026-01-12. Review status: criteria provided, single submitter. Criteria: Invitae Variant Classification Sherloc (09022015). Collection method: clinical testing. Allele origin: germline.

Blueprint Genetics
Classification: Likely benign. Last evaluated: 2023-12-28. Review status: criteria provided, single submitter. Criteria: ACMG Guidelines, 2015. Collection method: clinical testing. Allele origin: germline.

PreventionGenetics, part of Exact Sciences
Classification: Likely benign for CD79B-related condition. Last evaluated: 2019-10-30. Review status: no assertion criteria provided. Collection method: clinical testing. Allele origin: germline. Not counted in ClinVar's aggregate classification.
Comment: This variant is classified as likely benign based on ACMG/AMP sequence variant interpretation guidelines (Richards et al. 2015 PMID: 25741868, with internal and published modifications).

NM_000626.4(CD79B):c.48G>A (p.Ala16=)

Genes: CD79B (CD79b molecule; minus strand), GH-LCR (growth hormone locus control region; plus strand). Cytogenetic location: 17q23.3.
Variant type: single nucleotide variant.
Coding change: c.48G>A on transcript NM_000626.4 (MANE Select); coding-DNA position 48, G replaced by A.
Protein change: p.Ala16=; no amino-acid change (alanine 16 retained).
Molecular consequence: synonymous variant.
Genome position (GRCh38, 1-based): chr17:63,932,214, C>T on the plus strand (G>A on the coding strand, the complement: CD79B is on the minus strand). VCF-style: chr17-63932214-C-T. GRCh37 (hg19) VCF-style: chr17-62009574-C-T.
Other names: c.48G>A, p.Ala16= (NM_001039933.3, NM_001329050.2, NM_021602.4).
Identifiers: ClinVar variation 712936 (VCV000712936.14), dbSNP rs758062682, ClinGen allele CA8708693.